The following is an entry in ClinVar:

ClinVar aggregate classification (germline): Uncertain significance (1 of 4 stars; one submission).

Conditions:
Primary ciliary dyskinesia 7. Also called: CILIARY DYSKINESIA, PRIMARY, 7, WITH OR WITHOUT SITUS INVERSUS. Identifiers: Orphanet 244, MedGen C2678473, MONDO:0012748, OMIM 611884.

gnomAD v4.1: 1 of 1,609,818 alleles (0.000062%); no homozygotes.

Submission:

Equipe Genetique des Anomalies du Developpement, Université de Bourgogne
Classification: Uncertain significance for Primary ciliary dyskinesia 7. Last evaluated: 2021-01-29. Review status: criteria provided, single submitter. Criteria: ACMG Guidelines, 2015. Collection method: clinical testing. Allele origin: maternal. Inheritance: Autosomal recessive inheritance.
Comment: This variant was observed in compound heterozygosity with variant c.10472G>A

NM_001277115.2(DNAH11):c.1848+1G>T

Gene: DNAH11 (dynein axonemal heavy chain 11; plus strand). Cytogenetic location: 7p15.3.
Variant type: single nucleotide variant.
Coding change: c.1848+1G>T on transcript NM_001277115.2 (MANE Select); the canonical splice donor site of the intron after coding-DNA position 1848, G replaced by T.
Molecular consequence: splice donor variant.
Genome position (GRCh38, 1-based): chr7:21,588,202, G>T. VCF-style: chr7-21588202-G-T. GRCh37 (hg19) VCF-style: chr7-21627820-G-T.
Identifiers: ClinVar variation 2445215 (VCV002445215.1), dbSNP rs1044944666, ClinGen allele CA366938877.
Genomic context (GRCh38, chr7:21,588,202, plus strand): 5'-CATATGTTTAATACAGAGCTGGATGTGTGTAAGCAACTGTATAATGAACACATGAAACAG[G>T]TAAGTGGTGGATAAGGTTGGACACATTTACAATATCATTTAGGCGGATAATGACCATCAA-3'